The following is an entry in ClinVar:

NM_000094.4(COL7A1):c.3859G>A (p.Gly1287Arg)

Gene: COL7A1 (collagen type VII alpha 1 chain; minus strand). Cytogenetic location: 3p21.31.
Variant type: single nucleotide variant.
Coding change: c.3859G>A on transcript NM_000094.4 (MANE Select); coding-DNA position 3859, G replaced by A.
Protein change: p.Gly1287Arg; replaces glycine 1287 with arginine.
Molecular consequence: missense variant.
Genome position (GRCh38, 1-based): chr3:48,585,592, C>T on the plus strand (G>A on the coding strand, the complement: COL7A1 is on the minus strand). VCF-style: chr3-48585592-C-T. GRCh37 (hg19) VCF-style: chr3-48623025-C-T.
Other names: short protein forms G1287R.
Identifiers: ClinVar variation 3367086 (VCV003367086.1).

ClinVar aggregate classification (germline): Uncertain significance (1 of 4 stars; one submission).

Conditions:
Recessive dystrophic epidermolysis bullosa (RDEB). Also called: DYSTROPHIC EPIDERMOLYSIS BULLOSA, AUTOSOMAL RECESSIVE; EPIDERMOLYSIS BULLOSA DYSTROPHICA, HALLOPEAU-SIEMENS TYPE; Hallopeau-Siemens Disease; EPIDERMOLYSIS BULLOSA DYSTROPHICA, GENERALIZED SEVERE, AUTOSOMAL RECESSIVE; epidermolysis bullosa dystrophica, autosomal recessive; Recessive DEB (RDEB). Identifiers: Orphanet 79408, Orphanet 79409, MedGen C0079474, MONDO:0009179, OMIM 226600.

gnomAD v4.1: 2 of 1,613,964 alleles (0.00012%); highest among the groups gnomAD compares: South Asian, 0.0022%; no homozygotes.

Submission:

Neuberg Centre For Genomic Medicine, NCGM
Classification: Uncertain significance for Recessive dystrophic epidermolysis bullosa. Last evaluated: 2023-05-20. Review status: criteria provided, single submitter. Criteria: ACMG Guidelines, 2015. Collection method: clinical testing. Allele origin: germline. Inheritance: Autosomal recessive inheritance. Affected: yes.
Comment: The observed missense c.3859G>A(p.Gly1287Arg) variant in COL7A1 gene has not beewn reported previously as a pathogenic variant nor a benign variant, to our knowledge. The p.Gly1287Arg variant is absent in gnomAD Exomes. This variant has not been submitted to the ClinVar database. Multiple lines of computational evidences (Polyphen - Possibly damaging, SIFT - Tolerated and MutationTaster - Polymorphism) predict conflicting evidence on protein structure and function for this variant. The reference amino acid is predicted as conserved by GERP++ and PhyloP across 100 vertebrates. The amino acid Gly at position 1287 is changed to a Arg changing protein sequence and it might alter its composition and physico-chemical properties. For these reasons, this variant has been classified as a Variant of Uncertain Significance (VUS).